The following is an entry in ClinVar:

NM_000962.4(PTGS1):c.786G>A (p.Pro262=)

Gene: PTGS1 (prostaglandin-endoperoxide synthase 1; plus strand). Cytogenetic location: 9q33.2.
Variant type: single nucleotide variant.
Coding change: c.786G>A on transcript NM_000962.4 (MANE Select); coding-DNA position 786, G replaced by A.
Protein change: p.Pro262=; no amino-acid change (proline 262 retained).
Molecular consequence: synonymous variant.
Genome position (GRCh38, 1-based): chr9:122,383,532, G>A. VCF-style: chr9-122383532-G-A. GRCh37 (hg19) VCF-style: chr9-125145811-G-A.
Other names: c.642G>A, p.Pro214= (NM_001271164.2); c.459G>A, p.Pro153= (NM_001271165.2, NM_001271166.2, NM_001271367.2); c.711G>A, p.Pro237= (NM_001271368.2); c.786G>A, p.Pro262= (NM_080591.3).
Identifiers: ClinVar variation 2659481 (VCV002659481.24), dbSNP rs144210627, ClinGen allele CA5224938.

ClinVar aggregate classification (germline): Likely benign (1 of 4 stars; one submission).

Allele frequency attached by ClinVar (database versions not stated): TOPMed 0.00106; ESP Exome Variant Server 0.00138; 1000 Genomes Project 30x 0.00141; 1000 Genomes Project 0.00160.
gnomAD v4.1: 3,927 of 1,611,700 alleles (0.24%); highest among the groups gnomAD compares: Non-Finnish European, 0.21%; 18 homozygotes.

Submission:

CeGaT Center for Human Genetics Tuebingen
Classification: Likely benign. Last evaluated: 2022-05-01. Review status: criteria provided, single submitter. Criteria: CeGaT Center For Human Genetics Tuebingen Variant Classification Criteria Version 2. Collection method: clinical testing. Allele origin: germline. Affected: yes. Observed: 1 variant allele.
Comment: PTGS1: BP4, BP7